The following is an entry in ClinVar:

NM_001347721.2(DYRK1A):c.1519+1G>A

Gene: DYRK1A (dual specificity tyrosine phosphorylation regulated kinase 1A; plus strand). Cytogenetic location: 21q22.13.
Variant type: single nucleotide variant.
Coding change: c.1519+1G>A on transcript NM_001347721.2 (MANE Select); the canonical splice donor site of the intron after coding-DNA position 1519, G replaced by A.
Molecular consequence: splice donor variant.
Genome position (GRCh38, 1-based): chr21:37,505,590, G>A. VCF-style: chr21-37505590-G-A. GRCh37 (hg19) VCF-style: chr21-38877893-G-A.
Other names: c.1546+1G>A (NM_001396.5, NM_101395.2, NM_130438.2); c.1519+1G>A (NM_001347722.2, NM_130436.2); c.1432+1G>A (NM_001347723.2).
Identifiers: ClinVar variation 423237 (VCV000423237.3), dbSNP rs1064796316, ClinGen allele CA16621006.

ClinVar aggregate classification (germline): Pathogenic. Review status: criteria provided, multiple submitters, no conflicts (2 of 4 stars). 2 submissions from 2 submitters: Pathogenic (2). Last evaluated 2025-05-15.

Conditions:
DYRK1A-related intellectual disability syndrome (MRD7). Also called: DYRK1A Syndrome; Intellectual developmental disorder, autosomal dominant 7. Identifiers: Orphanet 464306, MedGen C5568143, MONDO:0013578, OMIM 614104.

Submissions (2):

3billion
Classification: Pathogenic for DYRK1A-related intellectual disability syndrome. Last evaluated: 2025-05-15. Review status: criteria provided, single submitter. Criteria: ACMG Guidelines, 2015. Collection method: clinical testing. Allele origin: germline. Affected: yes.
Comment: The variant is not observed in the gnomAD v4.1.0 dataset. Predicted Consequence/Location: Canonical splice site: predicted to alter splicing and result in a loss or disruption of normal protein function. Multiple pathogenic loss-of-function variants are reported downstream of the variant. In silico tools predict the variant to alter splicing and produce an abnormal transcript [SpliceAI: 0.99 (spliceogenicity >=0.2, non-spliceogenicity <0.1)]. The variant has been reported to be associated with DYRK1A-related disorder (ClinVar ID: VCV000423237). Therefore, this variant is classified as Pathogenic according to the recommendation of ACMG/AMP guideline.

GeneDx
Classification: Pathogenic. Last evaluated: 2017-02-10. Review status: criteria provided, single submitter. Criteria: GeneDx Variant Classification (06012015). Collection method: clinical testing. Allele origin: germline. Affected: yes.
Comment: The c.1546+1G>A variant in the DYRK1A gene has not been reported previously as a pathogenic variant nor as a benign variant, to our knowledge. This splice site variant destroys the canonical splice donor site in intron 9. It is predicted to cause abnormal gene splicing, either leading to an abnormal message that is subject to nonsense-mediated mRNA decay, or to an abnormal protein product if the message is used for protein translation. The c.1546+1G>A variant is not observed in large population cohorts (Lek et al., 2016; 1000 Genomes Consortium et al., 2015; Exome Variant Server). We interpret c.1546+1G>A as a pathogenic variant.